The following is an entry in ClinVar:

ClinVar aggregate classification (germline): Uncertain significance (1 of 4 stars; one submission).

Conditions:
Spastic paraplegia. Identifiers: MedGen C0037772, HP:0001258.

Submission:

Labcorp Genetics (formerly Invitae), Labcorp
Classification: Uncertain significance for Spastic paraplegia. Last evaluated: 2022-05-12. Review status: criteria provided, single submitter. Criteria: Invitae Variant Classification Sherloc (09022015). Collection method: clinical testing. Allele origin: germline.
Comment: This variant has not been reported in the literature in individuals affected with B4GALNT1-related conditions. In summary, the available evidence is currently insufficient to determine the role of this variant in disease. Therefore, it has been classified as a Variant of Uncertain Significance. Algorithms developed to predict the effect of missense changes on protein structure and function (SIFT, PolyPhen-2, Align-GVGD) all suggest that this variant is likely to be disruptive. This variant is not present in population databases (gnomAD no frequency). This sequence change replaces aspartic acid, which is acidic and polar, with glutamic acid, which is acidic and polar, at codon 357 of the B4GALNT1 protein (p.Asp357Glu).

NM_001478.5(B4GALNT1):c.1071C>A (p.Asp357Glu)

Gene: B4GALNT1 (beta-1,4-N-acetyl-galactosaminyltransferase 1; minus strand). Cytogenetic location: 12q13.3.
Variant type: single nucleotide variant.
Coding change: c.1071C>A on transcript NM_001478.5 (MANE Select); coding-DNA position 1071, C replaced by A.
Protein change: p.Asp357Glu; replaces aspartic acid 357 with glutamic acid.
Molecular consequence: missense variant.
Genome position (GRCh38, 1-based): chr12:57,628,194, G>T on the plus strand (C>A on the coding strand, the complement: B4GALNT1 is on the minus strand). VCF-style: chr12-57628194-G-T. GRCh37 (hg19) VCF-style: chr12-58021977-G-T.
Other names: c.906C>A, p.Asp302Glu (NM_001276468.2, NM_001413978.1); c.1206C>A, p.Asp402Glu (NM_001413967.1, NM_001413968.1, NM_001413969.1); c.1071C>A, p.Asp357Glu (NM_001413970.1, NM_001413971.1, NM_001413972.1 and 2 more transcripts); c.972C>A, p.Asp324Glu (NM_001413977.1); c.219C>A, p.Asp73Glu (NM_001413981.1); c.84C>A, p.Asp28Glu (NM_001413982.1, NM_001413983.1, NM_001413984.1); short protein forms D357E, D324E, D402E, D28E, D302E, D73E.
Identifiers: ClinVar variation 2116207 (VCV002116207.4), dbSNP rs2540652832, ClinGen allele CA385495629.